The following is an entry in ClinVar:

NM_000234.3(LIG1):c.805G>T (p.Ala269Ser)

Gene: LIG1 (DNA ligase 1; minus strand). Cytogenetic location: 19q13.33.
Variant type: single nucleotide variant.
Coding change: c.805G>T on transcript NM_000234.3 (MANE Select); coding-DNA position 805, G replaced by T.
Protein change: p.Ala269Ser; replaces alanine 269 with serine.
Molecular consequence: missense variant. On other transcripts: non-coding transcript variant (6).
Genome position (GRCh38, 1-based): chr19:48,143,935, C>A on the plus strand (G>T on the coding strand, the complement: LIG1 is on the minus strand). VCF-style: chr19-48143935-C-A. GRCh37 (hg19) VCF-style: chr19-48647192-C-A.
Other names: c.712G>T, p.Ala238Ser (NM_001289063.2); c.601G>T, p.Ala201Ser (NM_001289064.2); c.802G>T, p.Ala268Ser (NM_001320970.2); c.715G>T, p.Ala239Ser (NM_001320971.2); short protein forms A268S, A201S, A238S, A239S, A269S.
Identifiers: ClinVar variation 1517627 (VCV001517627.7), dbSNP rs201846395, ClinGen allele CA406650889.

ClinVar aggregate classification (germline): Uncertain significance (1 of 4 stars; one submission).

gnomAD v4.1: 8 of 1,614,026 alleles (0.0005%); highest among the groups gnomAD compares: Non-Finnish European, 0.00068%; no homozygotes.

Submission:

Labcorp Genetics (formerly Invitae), Labcorp
Classification: Uncertain significance. Last evaluated: 2022-09-27. Review status: criteria provided, single submitter. Criteria: Invitae Variant Classification Sherloc (09022015). Collection method: clinical testing. Allele origin: germline.
Comment: This sequence change replaces alanine, which is neutral and non-polar, with serine, which is neutral and polar, at codon 269 of the LIG1 protein (p.Ala269Ser). This variant is not present in population databases (gnomAD no frequency). This variant has not been reported in the literature in individuals affected with LIG1-related conditions. ClinVar contains an entry for this variant (Variation ID: 1517627). Algorithms developed to predict the effect of missense changes on protein structure and function output the following: SIFT: "Tolerated"; PolyPhen-2: "Benign"; Align-GVGD: "Class C0". The serine amino acid residue is found in multiple mammalian species, which suggests that this missense change does not adversely affect protein function. In summary, the available evidence is currently insufficient to determine the role of this variant in disease. Therefore, it has been classified as a Variant of Uncertain Significance.